The following is an entry in ClinVar:

NM_024675.4(PALB2):c.3173C>A (p.Ser1058Ter)

Gene: PALB2 (partner and localizer of BRCA2; minus strand). Cytogenetic location: 16p12.2.
Variant type: single nucleotide variant.
Coding change: c.3173C>A on transcript NM_024675.4 (MANE Select); coding-DNA position 3173, C replaced by A.
Protein change: p.Ser1058Ter; replaces serine 1058 with a stop codon.
Molecular consequence: nonsense. On other transcripts: intron variant (3).
Genome position (GRCh38, 1-based): chr16:23,614,032, G>T on the plus strand (C>A on the coding strand, the complement: PALB2 is on the minus strand). VCF-style: chr16-23614032-G-T. GRCh37 (hg19) VCF-style: chr16-23625353-G-T.
Other names: c.3113C>A, p.Ser1038Ter (NM_001407296.1); c.3101C>A, p.Ser1034Ter (NM_001407297.1); c.3011C>A, p.Ser1004Ter (NM_001407298.1, NM_001407302.1); c.2894C>A, p.Ser965Ter (NM_001407300.1); c.3173C>A, p.Ser1058Ter (NM_001407301.1); c.2288C>A, p.Ser763Ter (NM_001407304.1, NM_001407305.1, NM_001407306.1 and 2 more transcripts); c.2126C>A, p.Ser709Ter (NM_001407307.1); c.1385C>A, p.Ser462Ter (NM_001407312.1, NM_001407313.1); and 3 more; short protein forms S1004*, S1038*, S1058*, S462*, S236*, S709*, S763*, S1034*.
Identifiers: ClinVar variation 3727835 (VCV003727835.2).

ClinVar aggregate classification (germline): Pathogenic (1 of 4 stars; one submission).

Conditions:
Familial cancer of breast. Also called: Hereditary breast cancer; BREAST CANCER, FAMILIAL; hereditary breast carcinoma. Identifiers: Orphanet 227535, MedGen C0346153, MONDO:0016419, OMIM 114480. Disease mechanism: loss of function.

Submission:

Labcorp Genetics (formerly Invitae), Labcorp
Classification: Pathogenic for Familial cancer of breast. Last evaluated: 2024-12-23. Review status: criteria provided, single submitter. Criteria: Invitae Variant Classification Sherloc (09022015). Collection method: clinical testing. Allele origin: germline.
Comment: This sequence change creates a premature translational stop signal (p.Ser1058*) in the PALB2 gene. It is expected to result in an absent or disrupted protein product. Loss-of-function variants in PALB2 are known to be pathogenic (PMID: 17200668, 17200671, 17200672, 24136930, 25099575). This variant is not present in population databases (gnomAD no frequency). This variant has not been reported in the literature in individuals affected with PALB2-related conditions. Algorithms developed to predict the effect of sequence changes on RNA splicing suggest that this variant may disrupt the consensus splice site. For these reasons, this variant has been classified as Pathogenic.

Literature cited by the submitters: PubMed 17200668; PubMed 17200671; PubMed 17200672; PubMed 24136930; PubMed 25099575.